The following is an entry in ClinVar:

ClinVar aggregate classification (germline): Likely benign. Review status: criteria provided, multiple submitters, no conflicts (2 of 4 stars). 9 submissions from 9 submitters: Likely benign (7). 2 of the submissions do not count toward it. Last evaluated 2025-12-17.

Conditions:
MUTYH-related disorder. Also called: MUTYH-related condition; MUTYH-related disorders.
Hereditary cancer-predisposing syndrome. Also called: Tumor predisposition; Neoplastic Syndromes, Hereditary; Hereditary neoplastic syndrome; Hereditary Cancer Syndrome. Identifiers: Orphanet 140162, MedGen C0027672, MeSH D009386, MONDO:0015356.
Familial adenomatous polyposis 2. Also called: MUTYH-related attenuated familial adenomatous polyposis; MUTYH-associated polyposis; MUTYH Polyposis; COLORECTAL ADENOMATOUS POLYPOSIS, AUTOSOMAL RECESSIVE; ADENOMAS, MULTIPLE COLORECTAL, AUTOSOMAL RECESSIVE; MYH-associated polyposis. Identifiers: Orphanet 220460, Orphanet 247798, MedGen C3272841, MONDO:0012041, OMIM 608456.

Allele frequency attached by ClinVar (database versions not stated): gnomAD 0.00001; gnomAD exomes 0.00001 and 0.00003; ExAC 0.00002; TOPMed 0.00002.
gnomAD v4.1: 11 of 1,614,064 alleles (0.00068%); highest among the groups gnomAD compares: Admixed American, 0.017%; no homozygotes.

Submissions (9):

Labcorp Genetics (formerly Invitae), Labcorp
Classification: Likely benign for Familial adenomatous polyposis 2. Last evaluated: 2025-12-17. Review status: criteria provided, single submitter. Criteria: Invitae Variant Classification Sherloc (09022015). Collection method: clinical testing. Allele origin: germline.

All of Us Research Program, National Institutes of Health
Classification: Likely benign for Familial adenomatous polyposis 2. Last evaluated: 2023-12-01. Review status: criteria provided, single submitter. Criteria: ACMG Guidelines, 2015. Collection method: clinical testing. Allele origin: germline. Inheritance: Autosomal recessive inheritance. Observed: 7 variant alleles, 7 heterozygotes.
Comment: This study involves interpretation of variants in research participants for the purpose of population health screening. Participant phenotype was not available at the time of variant classification. Additional details can be found in publication PMID: 35346344, PMCID: PMC8962531

Sema4
Classification: Likely benign for Hereditary cancer-predisposing syndrome. Last evaluated: 2021-11-26. Review status: criteria provided, single submitter. Criteria: Sema4 Curation Guidelines. Collection method: curation. Allele origin: germline.

GeneDx
Classification: Likely benign. Last evaluated: 2021-01-14. Review status: criteria provided, single submitter. Criteria: GeneDx Variant Classification Process June 2021. Collection method: clinical testing. Allele origin: germline. Affected: yes.

Women's Health and Genetics/Laboratory Corporation of America, LabCorp
Classification: Likely benign. Last evaluated: 2019-07-13. Review status: criteria provided, single submitter. Criteria: LabCorp Variant Classification Summary - May 2015. Collection method: clinical testing. Allele origin: germline.

Color Diagnostics, LLC DBA Color Health
Classification: Likely benign for Hereditary cancer-predisposing syndrome. Last evaluated: 2017-11-02. Review status: criteria provided, single submitter. Criteria: ACMG Guidelines, 2015. Collection method: clinical testing. Allele origin: germline.

Ambry Genetics
Classification: Likely benign for Hereditary cancer-predisposing syndrome. Last evaluated: 2014-12-23. Review status: criteria provided, single submitter. Criteria: Ambry Variant Classification Scheme 2023. Collection method: clinical testing. Allele origin: germline.

PreventionGenetics, part of Exact Sciences
Classification: Likely benign for MUTYH-related condition. Last evaluated: 2021-11-23. Review status: no assertion criteria provided. Collection method: clinical testing. Allele origin: germline. Not counted in ClinVar's aggregate classification.
Comment: This variant is classified as likely benign based on ACMG/AMP sequence variant interpretation guidelines (Richards et al. 2015 PMID: 25741868, with internal and published modifications).

Counsyl
Classification: Likely benign for Familial adenomatous polyposis 2. Last evaluated: 2016-03-17. Review status: no assertion criteria provided. Collection method: clinical testing. Allele origin: unknown. Not counted in ClinVar's aggregate classification.

NM_001048174.2(MUTYH):c.1311A>C (p.Pro437=)

Gene: MUTYH (mutY DNA glycosylase; minus strand). Cytogenetic location: 1p34.1.
Variant type: single nucleotide variant.
Coding change: c.1311A>C on transcript NM_001048174.2 (MANE Select); coding-DNA position 1311, A replaced by C.
Protein change: p.Pro437=; no amino-acid change (proline 437 retained).
Molecular consequence: synonymous variant. On other transcripts: non-coding transcript variant (2).
Genome position (GRCh38, 1-based): chr1:45,331,263, T>G on the plus strand (A>C on the coding strand, the complement: MUTYH is on the minus strand). VCF-style: chr1-45331263-T-G. GRCh37 (hg19) VCF-style: chr1-45796935-T-G.
Other names: c.1311A>C, p.Pro437= (NM_001048171.2, NM_001048173.2, NM_001293195.2); c.1314A>C, p.Pro438= (NM_001048172.2); c.1395A>C, p.Pro465= (NM_001128425.2); c.1356A>C, p.Pro452= (NM_001293190.2); c.1344A>C, p.Pro448= (NM_001293191.2); c.1035A>C, p.Pro345= (NM_001293192.2, NM_001293196.2); c.966A>C, p.Pro322= (NM_001350650.2, NM_001350651.2); c.1386A>C, p.Pro462= (NM_012222.3).
Identifiers: ClinVar variation 187485 (VCV000187485.26), dbSNP rs768239149, ClinGen allele CA012668.